The following is an entry in ClinVar:

ClinVar aggregate classification (germline): Uncertain significance (1 of 4 stars; one submission).

Conditions:
Werner syndrome (WRN). Identifiers: Orphanet 902, MedGen C0043119, MONDO:0010196, OMIM 277700.

gnomAD v4.1: 1 of 1,613,534 alleles (0.000062%); highest among the groups gnomAD compares: Admixed American, 0.0017%; no homozygotes.

Submission:

Labcorp Genetics (formerly Invitae), Labcorp
Classification: Uncertain significance for Werner syndrome. Last evaluated: 2025-01-30. Review status: criteria provided, single submitter. Criteria: Invitae Variant Classification Sherloc (09022015). Collection method: clinical testing. Allele origin: germline.
Comment: This sequence change replaces threonine, which is neutral and polar, with alanine, which is neutral and non-polar, at codon 663 of the WRN protein (p.Thr663Ala). This variant is not present in population databases (gnomAD no frequency). This variant has not been reported in the literature in individuals affected with WRN-related conditions. An algorithm developed to predict the effect of missense changes on protein structure and function outputs the following: PolyPhen-2: "Benign". The alanine amino acid residue is found in multiple mammalian species, which suggests that this missense change does not adversely affect protein function. In summary, the available evidence is currently insufficient to determine the role of this variant in disease. Therefore, it has been classified as a Variant of Uncertain Significance.

NM_000553.6(WRN):c.1987A>G (p.Thr663Ala)

Gene: WRN (WRN RecQ like helicase; plus strand). Cytogenetic location: 8p12.
Variant type: single nucleotide variant.
Coding change: c.1987A>G on transcript NM_000553.6 (MANE Select); coding-DNA position 1987, A replaced by G.
Protein change: p.Thr663Ala; replaces threonine 663 with alanine.
Molecular consequence: missense variant.
Genome position (GRCh38, 1-based): chr8:31,100,854, A>G. VCF-style: chr8-31100854-A-G. GRCh37 (hg19) VCF-style: chr8-30958370-A-G.
Other names: short protein forms T663A.
Identifiers: ClinVar variation 3714859 (VCV003714859.2).
Genomic context (GRCh38, chr8:31,100,854, plus strand): 5'-TATTTTTTCCTTTCGAGCTTTATCTTTTCCTTTATGTGTTTTTCTTTTTTTACAGGTATC[A>G]CGCTCATTGCTGTGGATGAGGCTCACTGTATTTCTGAGTGGGGGCATGATTTTAGGGATT-3'
Protein context (NP_000544.2, residues 653-673): LQQLEADIGI[Thr663Ala]LIAVDEAHCI